The following is an entry in ClinVar:

NM_005883.3(APC2):c.4557G>A (p.Pro1519=)

Gene: APC2 (APC regulator of Wnt signaling pathway 2; plus strand). Cytogenetic location: 19p13.3.
Variant type: single nucleotide variant.
Coding change: c.4557G>A on transcript NM_005883.3 (MANE Select); coding-DNA position 4557, G replaced by A.
Protein change: p.Pro1519=; no amino-acid change (proline 1519 retained).
Molecular consequence: synonymous variant.
Genome position (GRCh38, 1-based): chr19:1,467,858, G>A. VCF-style: chr19-1467858-G-A. GRCh37 (hg19) VCF-style: chr19-1467857-G-A.
Other names: c.4554G>A, p.Pro1518= (NM_001351273.1).
Identifiers: ClinVar variation 724709 (VCV000724709.37), dbSNP rs111280997, ClinGen allele CA9045845.

ClinVar aggregate classification (germline): Conflicting classifications of pathogenicity. Review status: criteria provided, conflicting classifications (1 of 4 stars). 8 submissions from 8 submitters: Uncertain significance (1); Likely benign (5). 2 of the submissions do not count toward it. Last evaluated 2026-01-23.

Conditions:
APC2-related disorder. Also called: APC2-Related Disorders; APC2-related condition.

Allele frequency attached by ClinVar (database versions not stated): ESP Exome Variant Server 0.00044; TOPMed 0.00047; gnomAD 0.00061.
gnomAD v4.1: 1,183 of 1,547,654 alleles (0.076%); highest among the groups gnomAD compares: Non-Finnish European, 0.095%; no homozygotes.

Submissions (8):

Labcorp Genetics (formerly Invitae), Labcorp
Classification: Likely benign. Last evaluated: 2026-01-23. Review status: criteria provided, single submitter. Criteria: Invitae Variant Classification Sherloc (09022015). Collection method: clinical testing. Allele origin: germline.

PreventionGenetics, part of Exact Sciences
Classification: Likely benign for APC2-related condition. Last evaluated: 2025-10-31. Review status: criteria provided, single submitter. Criteria: ACMG Guidelines, 2015. Collection method: clinical testing. Allele origin: germline.
Comment: This variant is classified as likely benign based on ACMG/AMP sequence variant interpretation guidelines (Richards et al. 2015 PMID: 25741868, with internal and published modifications).

Blueprint Genetics
Classification: Likely benign. Last evaluated: 2024-11-21. Review status: criteria provided, single submitter. Criteria: ACMG Guidelines, 2015. Collection method: clinical testing. Allele origin: germline.

CeGaT Center for Human Genetics Tuebingen
Classification: Likely benign. Last evaluated: 2022-09-01. Review status: criteria provided, single submitter. Criteria: CeGaT Center For Human Genetics Tuebingen Variant Classification Criteria Version 2. Collection method: clinical testing. Allele origin: germline. Affected: yes. Observed: 1 variant allele.
Comment: APC2: BP4, BP7

Revvity Omics, Revvity
Classification: Uncertain significance. Last evaluated: 2022-08-24. Review status: criteria provided, single submitter. Criteria: ACMG Guidelines, 2015. Collection method: clinical testing. Allele origin: germline.

Breakthrough Genomics
Classification: Likely benign. Review status: criteria provided, single submitter. Criteria: ACMG Guidelines, 2015. Collection method: not provided. Allele origin: germline. Inheritance: Autosomal recessive inheritance. Affected: yes.

Clinical Genetics DNA and cytogenetics Diagnostics Lab, Erasmus MC, Erasmus Medical Center
Classification: Likely benign. Review status: no assertion criteria provided. Collection method: clinical testing. Allele origin: germline. Affected: yes. Study: VKGL Data-share Consensus. Not counted in ClinVar's aggregate classification.

Genome Diagnostics Laboratory, University Medical Center Utrecht
Classification: Likely benign. Review status: no assertion criteria provided. Collection method: clinical testing. Allele origin: germline. Affected: yes. Study: VKGL Data-share Consensus. Not counted in ClinVar's aggregate classification.